The following is an entry in ClinVar:

ClinVar aggregate classification (germline): Conflicting classifications of pathogenicity. Review status: criteria provided, conflicting classifications (1 of 4 stars). 5 submissions from 5 submitters: Uncertain significance (1); Benign (1); Likely benign (2). 1 of the submissions does not count toward it. Last evaluated 2026-04-17.

Conditions:
DICER1-related tumor predisposition. Also called: DICER1-related pleuropulmonary blastoma cancer predisposition syndrome; DICER1 syndrome. Identifiers: Orphanet 284343, MedGen C3839822, MONDO:0100216.
DICER1-related disorder. Also called: DICER1-related condition.
Hereditary cancer-predisposing syndrome. Also called: Hereditary Cancer Syndrome; Neoplastic Syndromes, Hereditary; Hereditary neoplastic syndrome; Tumor predisposition. Identifiers: Orphanet 140162, MedGen C0027672, MeSH D009386, MONDO:0015356.

Allele frequency attached by ClinVar (database versions not stated): gnomAD 0.00001; TOPMed 0.00001.
gnomAD v4.1: 2 of 1,613,958 alleles (0.00012%); highest among the groups gnomAD compares: Non-Finnish European, 0.00017%; no homozygotes.

Submissions (5):

Myriad Genetics, Inc.
Classification: Benign for DICER1-related tumor predisposition. Last evaluated: 2026-04-17. Review status: criteria provided, single submitter. Criteria: Myriad Autosomal Dominant, Autosomal Recessive and X-Linked Classification Criteria (2023). Collection method: clinical testing. Allele origin: unknown.
Comment: This variant is considered benign. This variant is a silent/synonymous amino acid change and it is not expected to impact splicing.

Labcorp Genetics (formerly Invitae), Labcorp
Classification: Likely benign for DICER1-related tumor predisposition. Last evaluated: 2025-05-19. Review status: criteria provided, single submitter. Criteria: Invitae Variant Classification Sherloc (09022015). Collection method: clinical testing. Allele origin: germline.

Hereditary Cancer Group, L’Institut d'Investigació Biomèdica de Bellvitge
Classification: Uncertain significance for Hereditary cancer-predisposing syndrome. Last evaluated: 2024-12-19. Review status: criteria provided, single submitter. Criteria: Hatton et al. (Hum Mutat. 2023). Collection method: clinical testing. Allele origin: germline. Inheritance: Autosomal dominant inheritance. Affected: yes.
Comment: BP4

Ambry Genetics
Classification: Likely benign for Hereditary cancer-predisposing syndrome. Last evaluated: 2017-08-15. Review status: criteria provided, single submitter. Criteria: Ambry Variant Classification Scheme 2023. Collection method: clinical testing. Allele origin: germline.

PreventionGenetics, part of Exact Sciences
Classification: Likely benign for DICER1-related condition. Last evaluated: 2024-06-21. Review status: no assertion criteria provided. Collection method: clinical testing. Allele origin: germline. Not counted in ClinVar's aggregate classification.
Comment: This variant is classified as likely benign based on ACMG/AMP sequence variant interpretation guidelines (Richards et al. 2015 PMID: 25741868, with internal and published modifications).

NM_177438.3(DICER1):c.3162C>T (p.Leu1054=)

Gene: DICER1 (dicer 1, ribonuclease III; minus strand). Cytogenetic location: 14q32.13.
Variant type: single nucleotide variant.
Coding change: c.3162C>T on transcript NM_177438.3 (MANE Select); coding-DNA position 3162, C replaced by T.
Protein change: p.Leu1054=; no amino-acid change (leucine 1054 retained).
Molecular consequence: synonymous variant.
Genome position (GRCh38, 1-based): chr14:95,105,178, G>A on the plus strand (C>T on the coding strand, the complement: DICER1 is on the minus strand). VCF-style: chr14-95105178-G-A. GRCh37 (hg19) VCF-style: chr14-95571515-G-A.
Other names: c.3162C>T, p.Leu1054= (NM_001195573.1, NM_001271282.3, NM_001291628.2 and 1 more transcripts).
Identifiers: ClinVar variation 417126 (VCV000417126.20), dbSNP rs1060504987, ClinGen allele CA16614211.